The following is an entry in ClinVar:

ClinVar aggregate classification (germline): Uncertain significance (1 of 4 stars; one submission).

Conditions:
Developmental and epileptic encephalopathy, 23 (DEE23). Also called: Epileptic encephalopathy, early infantile, 23. Identifiers: Orphanet 411986, MedGen C4014492, MONDO:0014371, OMIM 615859.

Submission:

New York Genome Center
Classification: Uncertain significance for Developmental and epileptic encephalopathy, 23. Last evaluated: 2020-04-30. Review status: criteria provided, single submitter. Criteria: NYGC Assertion Criteria 2020. Collection method: clinical testing. Allele origin: germline. Observed: 1 heterozygote. Study: CSER-NYCKidSeq.
Comment: The heterozygous c.389+2061A>G deep intronic variant in intron 4/48 of the DOCK7 gene has not been reported in affected individuals in the literature. The variant is absent from gnomAD database indicating that its an extremely rare allele in the general population. The affected nucleotide is weakly conserved. The c.389+2061A>G deep intronic variant is predicted by in silico tools to alter normal mRNA splicing (TRAP score = 0.107, Human Splicing Finder predicts potential alteration of splicing). However, functional studies are required to evaluate impact of this variant on normal mRNA splicing. Based on the available evidence, the c.389+2061A>G variant in the DOCK7 gene is assessed as a variant of uncertain significance.

NM_001367561.1(DOCK7):c.389+2061A>G

Gene: DOCK7 (dedicator of cytokinesis 7; minus strand). Cytogenetic location: 1p31.3.
Variant type: single nucleotide variant.
Coding change: c.389+2061A>G on transcript NM_001367561.1 (MANE Select); 2061 bases into the intron after coding-DNA position 389, A replaced by G.
Molecular consequence: intron variant.
Genome position (GRCh38, 1-based): chr1:62,651,664, T>C on the plus strand (A>G on the coding strand, the complement: DOCK7 is on the minus strand). VCF-style: chr1-62651664-T-C. GRCh37 (hg19) VCF-style: chr1-63117335-T-C.
Other names: c.389+2061A>G (NM_001272001.2, NM_001272000.2, NM_033407.4 and 3 more transcripts).
Identifiers: ClinVar variation 1325627 (VCV001325627.1), dbSNP rs2149688351, ClinGen allele CA2573051607.